The following is an entry in ClinVar:

NM_017617.5(NOTCH1):c.61+7G>T

Genes: NOTCH1 (notch receptor 1; minus strand), LOC130003020 (ATAC-STARR-seq lymphoblastoid silent region 20528; plus strand). Cytogenetic location: 9q34.3.
Variant type: single nucleotide variant.
Coding change: c.61+7G>T on transcript NM_017617.5 (MANE Select); 7 bases into the intron after coding-DNA position 61, G replaced by T.
Molecular consequence: intron variant.
Genome position (GRCh38, 1-based): chr9:136,545,719, C>A on the plus strand (G>T on the coding strand, the complement: NOTCH1 is on the minus strand). VCF-style: chr9-136545719-C-A. GRCh37 (hg19) VCF-style: chr9-139440171-C-A.
Identifiers: ClinVar variation 1084764 (VCV001084764.33), dbSNP rs753396547, ClinGen allele CA467728273.

ClinVar aggregate classification (germline): Likely benign. Review status: criteria provided, multiple submitters, no conflicts (2 of 4 stars). 2 submissions from 2 submitters: Likely benign (2). Last evaluated 2026-01-25.

Conditions:
Adams-Oliver syndrome 5 (AOS5). Identifiers: Orphanet 974, MedGen C4014970, MONDO:0014459, OMIM 616028.

Allele frequency attached by ClinVar (database versions not stated): TOPMed 0.00002; gnomAD 0.00005.
gnomAD v4.1: 37 of 1,434,440 alleles (0.0026%); highest among the groups gnomAD compares: Admixed American, 0.017%; no homozygotes.

Submissions (2):

Labcorp Genetics (formerly Invitae), Labcorp
Classification: Likely benign for Adams-Oliver syndrome 5. Last evaluated: 2026-01-25. Review status: criteria provided, single submitter. Criteria: Invitae Variant Classification Sherloc (09022015). Collection method: clinical testing. Allele origin: germline.

CeGaT Center for Human Genetics Tuebingen
Classification: Likely benign. Last evaluated: 2023-01-01. Review status: criteria provided, single submitter. Criteria: CeGaT Center For Human Genetics Tuebingen Variant Classification Criteria Version 2. Collection method: clinical testing. Allele origin: germline. Affected: yes. Observed: 1 variant allele.
Comment: NOTCH1: BP4, BS1